The following is an entry in ClinVar:

NM_002471.4(MYH6):c.2557A>T (p.Thr853Ser)

Gene: MYH6 (myosin heavy chain 6; minus strand). Cytogenetic location: 14q11.2.
Variant type: single nucleotide variant.
Coding change: c.2557A>T on transcript NM_002471.4 (MANE Select); coding-DNA position 2557, A replaced by T.
Protein change: p.Thr853Ser; replaces threonine 853 with serine.
Molecular consequence: missense variant.
Genome position (GRCh38, 1-based): chr14:23,394,196, T>A on the plus strand (A>T on the coding strand, the complement: MYH6 is on the minus strand). VCF-style: chr14-23394196-T-A. GRCh37 (hg19) VCF-style: chr14-23863405-T-A.
Other names: short protein forms T853S.
Identifiers: ClinVar variation 3657211 (VCV003657211.2).
Genomic context (GRCh38, chr14:23,394,196, plus strand): 5'-TGCGGCGAGCCTCGGACTTCTCCAGCGTCTCTTTGATGCGCCCGAACTCTTCCTTCATGG[T>A]GGCCATCTCCTTCTCCGTCTCTGCGCTCTTCAGCAGCGGCTTGATCTTGAAGTAGAGCTT-3'
Protein context (NP_002462.2, residues 843-863): KSAETEKEMA[Thr853Ser]MKEEFGRIKE

ClinVar aggregate classification (germline): Uncertain significance (1 of 4 stars; one submission).

Conditions:
Hypertrophic cardiomyopathy 14. Identifiers: MedGen C2750467, MONDO:0013197, OMIM 613251.

gnomAD v4.1: 1 of 1,614,138 alleles (0.000062%); highest among the groups gnomAD compares: African/African-American, 0.0013%; no homozygotes.

Submission:

Labcorp Genetics (formerly Invitae), Labcorp
Classification: Uncertain significance for Hypertrophic cardiomyopathy 14. Last evaluated: 2024-06-20. Review status: criteria provided, single submitter. Criteria: Invitae Variant Classification Sherloc (09022015). Collection method: clinical testing. Allele origin: germline.
Comment: This sequence change replaces threonine, which is neutral and polar, with serine, which is neutral and polar, at codon 853 of the MYH6 protein (p.Thr853Ser). This variant is not present in population databases (gnomAD no frequency). This variant has not been reported in the literature in individuals affected with MYH6-related conditions. Advanced modeling of protein sequence and biophysical properties (such as structural, functional, and spatial information, amino acid conservation, physicochemical variation, residue mobility, and thermodynamic stability) performed at Invitae indicates that this missense variant is expected to disrupt MYH6 protein function with a positive predictive value of 80%. In summary, the available evidence is currently insufficient to determine the role of this variant in disease. Therefore, it has been classified as a Variant of Uncertain Significance.